The following is an entry in ClinVar:

NM_000548.5(TSC2):c.3490G>A (p.Ala1164Thr)

Gene: TSC2 (TSC complex subunit 2; plus strand). Cytogenetic location: 16p13.3.
Variant type: single nucleotide variant.
Coding change: c.3490G>A on transcript NM_000548.5 (MANE Select); coding-DNA position 3490, G replaced by A.
Protein change: p.Ala1164Thr; replaces alanine 1164 with threonine.
Molecular consequence: missense variant.
Genome position (GRCh38, 1-based): chr16:2,080,257, G>A. VCF-style: chr16-2080257-G-A. GRCh37 (hg19) VCF-style: chr16-2130258-G-A.
Other names: c.3358G>A, p.Ala1120Thr (NM_001077183.3, NM_001370404.1); c.3490G>A, p.Ala1164Thr (NM_001114382.3); c.3250G>A, p.Ala1084Thr (NM_001318827.2); c.3214G>A, p.Ala1072Thr (NM_001318829.2); c.2758G>A, p.Ala920Thr (NM_001318831.2); c.3391G>A, p.Ala1131Thr (NM_001318832.2); c.3361G>A, p.Ala1121Thr (NM_001363528.2, NM_001370405.1, NM_021055.3); short protein forms A1164T, A1072T, A1131T, A1120T, A1121T, A1084T, A920T.
Identifiers: ClinVar variation 567746 (VCV000567746.14), dbSNP rs776579875, ClinGen allele CA276746727.

ClinVar aggregate classification (germline): Benign/Likely benign. Review status: criteria provided, multiple submitters, no conflicts (2 of 4 stars). 3 submissions from 3 submitters: Benign (1); Likely benign (2). Last evaluated 2026-05-11.

Conditions:
Hereditary cancer-predisposing syndrome. Also called: Tumor predisposition; Hereditary Cancer Syndrome; Neoplastic Syndromes, Hereditary; Hereditary neoplastic syndrome. Identifiers: Orphanet 140162, MedGen C0027672, MeSH D009386, MONDO:0015356.
Tuberous sclerosis 2 (TSC2). Identifiers: Orphanet 805, MedGen C1860707, MONDO:0013199, OMIM 613254.

Allele frequency attached by ClinVar (database versions not stated): TOPMed 0.00001.
gnomAD v4.1: 17 of 1,612,884 alleles (0.0011%); highest among the groups gnomAD compares: Admixed American, 0.0017%; no homozygotes.

Submissions (3):

Women's Health and Genetics/Laboratory Corporation of America, LabCorp
Classification: Likely benign. Last evaluated: 2026-05-11. Review status: criteria provided, single submitter. Criteria: LabCorp Variant Classification Summary - May 2015. Collection method: clinical testing. Allele origin: germline.
Comment: Variant summary: TSC2 c.3490G>A (p.Ala1164Thr) results in a non-conservative amino acid change in the encoded protein sequence. Algorithms developed to predict the effect of missense changes on protein structure and function are either unavailable or do not agree on the potential impact of this missense change. The variant allele was found at a frequency of 4e-06 in 250212 control chromosomes. The available data on variant occurrences in the general population are insufficient to allow any conclusion about variant significance. To our knowledge, no occurrence of c.3490G>A in individuals affected with TSC2-related conditions and no experimental evidence demonstrating its impact on protein function have been reported. ClinVar contains an entry for this variant (Variation ID: 567746). Based on the evidence outlined above, the variant was classified as likely benign.

Labcorp Genetics (formerly Invitae), Labcorp
Classification: Benign for Tuberous sclerosis 2. Last evaluated: 2025-10-13. Review status: criteria provided, single submitter. Criteria: Invitae Variant Classification Sherloc (09022015). Collection method: clinical testing. Allele origin: germline.

Ambry Genetics
Classification: Likely benign for Hereditary cancer-predisposing syndrome. Last evaluated: 2023-04-14. Review status: criteria provided, single submitter. Criteria: Ambry Variant Classification Scheme 2023. Collection method: clinical testing. Allele origin: germline.